The following is an entry in ClinVar:

NM_001852.4(COL9A2):c.905C>T (p.Pro302Leu)

Gene: COL9A2 (collagen type IX alpha 2 chain; minus strand). Cytogenetic location: 1p34.2.
Variant type: single nucleotide variant.
Coding change: c.905C>T on transcript NM_001852.4 (MANE Select); coding-DNA position 905, C replaced by T.
Protein change: p.Pro302Leu; replaces proline 302 with leucine.
Molecular consequence: missense variant.
Genome position (GRCh38, 1-based): chr1:40,307,752, G>A on the plus strand (C>T on the coding strand, the complement: COL9A2 is on the minus strand). VCF-style: chr1-40307752-G-A. GRCh37 (hg19) VCF-style: chr1-40773424-G-A.
Other names: short protein forms P302L.
Identifiers: ClinVar variation 297306 (VCV000297306.9), dbSNP rs369110014, ClinGen allele CA791674.

ClinVar aggregate classification (germline): Conflicting classifications of pathogenicity. Review status: criteria provided, conflicting classifications (1 of 4 stars). 2 submissions from 2 submitters: Uncertain significance (1); Likely benign (1). Last evaluated 2025-04-07.

Conditions:
Epiphyseal dysplasia, multiple, 2 (EDM2). Also called: COL9A2-Related Multiple Epiphyseal Dysplasia. Identifiers: MedGen C1838429, MONDO:0010844, OMIM 600204.

Allele frequency attached by ClinVar (database versions not stated): TOPMed 0.00002; gnomAD 0.00003.

Submissions (2):

Labcorp Genetics (formerly Invitae), Labcorp
Classification: Uncertain significance. Last evaluated: 2025-04-07. Review status: criteria provided, single submitter. Criteria: Invitae Variant Classification Sherloc (09022015). Collection method: clinical testing. Allele origin: germline.
Comment: This sequence change replaces proline, which is neutral and non-polar, with leucine, which is neutral and non-polar, at codon 302 of the COL9A2 protein (p.Pro302Leu). This variant is present in population databases (rs369110014, gnomAD 0.03%). This variant has not been reported in the literature in individuals affected with COL9A2-related conditions. ClinVar contains an entry for this variant (Variation ID: 297306). Invitae Evidence Modeling of protein sequence and biophysical properties (such as structural, functional, and spatial information, amino acid conservation, physicochemical variation, residue mobility, and thermodynamic stability) indicates that this missense variant is not expected to disrupt COL9A2 protein function with a negative predictive value of 95%. In summary, the available evidence is currently insufficient to determine the role of this variant in disease. Therefore, it has been classified as a Variant of Uncertain Significance.

Illumina Laboratory Services, Illumina
Classification: Likely benign for Epiphyseal dysplasia, multiple, 2. Last evaluated: 2018-01-12. Review status: criteria provided, single submitter. Criteria: ICSL Variant Classification Criteria 13 December 2019. Collection method: clinical testing. Allele origin: germline.
Comment: This variant was observed in the ICSL laboratory as part of a predisposition screen in an ostensibly healthy population. It had not been previously curated by ICSL or reported in the Human Gene Mutation Database (HGMD: prior to June 1st, 2018), and was therefore a candidate for classification through an automated scoring system. Utilizing variant allele frequency, disease prevalence and penetrance estimates, and inheritance mode, an automated score was calculated to assess if this variant is too frequent to cause the disease. Based on the score and internal cut-off values, a variant classified as likely benign is not then subjected to further curation. The score for this variant resulted in a classification of likely benign for this disease.